The following is an entry in ClinVar:

ClinVar aggregate classification (germline): Uncertain significance (1 of 4 stars; one submission).

Conditions:
Chédiak-Higashi syndrome (CHS). Also called: Chediak-Higashi Syndrome. Identifiers: Orphanet 167, MedGen C0007965, MONDO:0008963, OMIM 214500.

Allele frequency attached by ClinVar (database versions not stated): TOPMed below 0.00001; gnomAD 0.00001.
gnomAD v4.1: 1 of 1,612,060 alleles (0.000062%); highest among the groups gnomAD compares: Non-Finnish European, 0.000085%; no homozygotes.

Submission:

Labcorp Genetics (formerly Invitae), Labcorp
Classification: Uncertain significance for Chédiak-Higashi syndrome. Last evaluated: 2023-07-21. Review status: criteria provided, single submitter. Criteria: Invitae Variant Classification Sherloc (09022015). Collection method: clinical testing. Allele origin: germline.
Comment: Advanced modeling of protein sequence and biophysical properties (such as structural, functional, and spatial information, amino acid conservation, physicochemical variation, residue mobility, and thermodynamic stability) performed at Invitae indicates that this missense variant is expected to disrupt LYST protein function. In summary, the available evidence is currently insufficient to determine the role of this variant in disease. Therefore, it has been classified as a Variant of Uncertain Significance. ClinVar contains an entry for this variant (Variation ID: 1015350). This variant has not been reported in the literature in individuals affected with LYST-related conditions. This variant is not present in population databases (gnomAD no frequency). This sequence change replaces leucine, which is neutral and non-polar, with serine, which is neutral and polar, at codon 2038 of the LYST protein (p.Leu2038Ser).

NM_000081.4(LYST):c.6113T>C (p.Leu2038Ser)

Gene: LYST (lysosomal trafficking regulator; minus strand). Cytogenetic location: 1q42.3.
Variant type: single nucleotide variant.
Coding change: c.6113T>C on transcript NM_000081.4 (MANE Select); coding-DNA position 6113, T replaced by C.
Protein change: p.Leu2038Ser; replaces leucine 2038 with serine.
Molecular consequence: missense variant.
Genome position (GRCh38, 1-based): chr1:235,766,087, A>G on the plus strand (T>C on the coding strand, the complement: LYST is on the minus strand). VCF-style: chr1-235766087-A-G. GRCh37 (hg19) VCF-style: chr1-235929387-A-G.
Other names: c.6113T>C, p.Leu2038Ser (NM_001301365.1); short protein forms L2038S.
Identifiers: ClinVar variation 1015350 (VCV001015350.5), dbSNP rs1668116916, ClinGen allele CA344946789.
Genomic context (GRCh38, chr1:235,766,087, plus strand): 5'-AATAAAACAAAAGTGGAAATAGCCATGATCTAACAAAAATGATTATACCTACCTATGTGC[A>G]AAGAAAAGTAGAAGTTCGTGGGATTGTGACAAACGTAAGTATTAGTAGGAGGGTGAACTG-3'
Protein context (NP_000072.2, residues 2028-2048): CHNPTNFYFS[Leu2038Ser]HIDGKIFQEK